The following is an entry in ClinVar:

ClinVar aggregate classification (germline): Uncertain significance (1 of 4 stars; one submission).

Submission:

GeneDx
Classification: Uncertain significance. Last evaluated: 2026-10-09. Review status: criteria provided, single submitter. Criteria: GeneDx Variant Classification Process June 2021. Collection method: clinical testing. Allele origin: germline.
Comment: Not observed at significant frequency in large population cohorts (gnomAD); In silico analysis supports that this missense variant has a deleterious effect on protein structure/function; Has not been previously published as pathogenic or benign to our knowledge

NM_173495.3(PTCHD1):c.2312T>G (p.Met771Arg)

Gene: PTCHD1 (patched domain containing 1; plus strand). Cytogenetic location: Xp22.11.
Variant type: single nucleotide variant.
Coding change: c.2312T>G on transcript NM_173495.3 (MANE Select); coding-DNA position 2312, T replaced by G.
Protein change: p.Met771Arg; replaces methionine 771 with arginine.
Molecular consequence: missense variant.
Genome position (GRCh38, 1-based): chrX:23,393,830, T>G. VCF-style: chrX-23393830-T-G. GRCh37 (hg19) VCF-style: chrX-23411947-T-G.
Other names: short protein forms M771R.
Identifiers: ClinVar variation 3766309 (VCV003766309.2).